The following is an entry in ClinVar:

NC_000013.11:g.(?_32370382)_(32380165_?)del

Gene: BRCA2 (BRCA2 DNA repair associated; plus strand). Cytogenetic location: 13q13.1.
Variant type: Deletion.
Identifiers: ClinVar variation 832512 (VCV000832512.8).

ClinVar aggregate classification (germline): Pathogenic (1 of 4 stars; one submission).

Conditions:
Hereditary breast ovarian cancer syndrome. Also called: Hereditary breast and/or ovarian cancer syndrome; Hereditary breast and ovarian cancer syndrome (HBOC); Breast and ovarian cancer; Hereditary breast and ovarian cancer; BRCA1- and BRCA2-Associated Hereditary Breast and Ovarian Cancer; Hereditary breast and ovarian cancer syndrome. Identifiers: Orphanet 145, MedGen C0677776, MeSH D061325, MONDO:0003582. Disease mechanism: loss of function.

Submission:

Labcorp Genetics (formerly Invitae), Labcorp
Classification: Pathogenic for Hereditary breast ovarian cancer syndrome. Last evaluated: 2022-01-27. Review status: criteria provided, single submitter. Criteria: Invitae Variant Classification Sherloc (09022015). Collection method: clinical testing. Allele origin: germline.
Comment: This variant has not been reported in the literature in individuals affected with BRCA2-related conditions. For these reasons, this variant has been classified as Pathogenic. This variant is a gross deletion of the genomic region encompassing exon(s) 19-24 of the BRCA2 gene. This deletion is out-of-frame, and is expected to create a premature termination codon and result in an absent or disrupted protein product. Loss-of-function variants in BRCA2 are known to be pathogenic (PMID: 20104584).

Literature cited by the submitters: PubMed 20104584.